The following is an entry in ClinVar:

NM_013275.6(ANKRD11):c.6038C>G (p.Ala2013Gly)

Gene: ANKRD11 (ankyrin repeat domain 11; minus strand). Cytogenetic location: 16q24.3.
Variant type: single nucleotide variant.
Coding change: c.6038C>G on transcript NM_013275.6 (MANE Select); coding-DNA position 6038, C replaced by G.
Protein change: p.Ala2013Gly; replaces alanine 2013 with glycine.
Molecular consequence: missense variant.
Genome position (GRCh38, 1-based): chr16:89,280,504, G>C on the plus strand (C>G on the coding strand, the complement: ANKRD11 is on the minus strand). VCF-style: chr16-89280504-G-C. GRCh37 (hg19) VCF-style: chr16-89346912-G-C.
Other names: c.6038C>G, p.Ala2013Gly (NM_001256182.2, NM_001256183.2); short protein forms A2013G.
Identifiers: ClinVar variation 3624775 (VCV003624775.2).
Genomic context (GRCh38, chr16:89,280,504, plus strand): 5'-CCCGGCTCAGCGACGGGCAGAGCGTACGGGGCAGGAGAGGCGGGAGGGGCGGGGTACGGC[G>C]CCTCCGAGGCGCTGAAGGGCCCTGGGGCGGCAGAGTGGAGGGGGTCCGCGGGGCAGAAAC-3'
Protein context (NP_037407.4, residues 2003-2023): AAPGPFSASE[Ala2013Gly]PYPAPPASPA

ClinVar aggregate classification (germline): Uncertain significance (1 of 4 stars; one submission).

Conditions:
KBG syndrome (KBGS). Also called: ANKRD11-Related KBG Syndrome. Identifiers: Orphanet 2332, MedGen C0220687, MONDO:0007846, OMIM 148050.

Submission:

Labcorp Genetics (formerly Invitae), Labcorp
Classification: Uncertain significance for KBG syndrome. Last evaluated: 2024-11-06. Review status: criteria provided, single submitter. Criteria: Invitae Variant Classification Sherloc (09022015). Collection method: clinical testing. Allele origin: germline.
Comment: This sequence change replaces alanine, which is neutral and non-polar, with glycine, which is neutral and non-polar, at codon 2013 of the ANKRD11 protein (p.Ala2013Gly). This variant is not present in population databases (gnomAD no frequency). This variant has not been reported in the literature in individuals affected with ANKRD11-related conditions. Invitae Evidence Modeling of protein sequence and biophysical properties (such as structural, functional, and spatial information, amino acid conservation, physicochemical variation, residue mobility, and thermodynamic stability) indicates that this missense variant is not expected to disrupt ANKRD11 protein function with a negative predictive value of 95%. In summary, the available evidence is currently insufficient to determine the role of this variant in disease. Therefore, it has been classified as a Variant of Uncertain Significance.